The following is an entry in ClinVar:

ClinVar aggregate classification (germline): Conflicting classifications of pathogenicity. Review status: criteria provided, conflicting classifications (1 of 4 stars). 4 submissions from 4 submitters: Uncertain significance (1); Likely benign (3). Last evaluated 2024-08-13.

Conditions:
Long QT syndrome (LQTS). Identifiers: MedGen C0023976, MeSH D008133, MONDO:0002442. Disease mechanism: loss of function. Inheritance: Various modes of inheritance.
Cardiovascular phenotype. Identifiers: MedGen CN230736.

Allele frequency attached by ClinVar (database versions not stated): ExAC 0.00002; gnomAD 0.00002 and 0.00003; gnomAD exomes 0.00002 and 0.00003; TOPMed 0.00004.
gnomAD v4.1: 31 of 1,613,956 alleles (0.0019%); highest among the groups gnomAD compares: East Asian, 0.065%; no homozygotes.

Submissions (4):

Labcorp Genetics (formerly Invitae), Labcorp
Classification: Uncertain significance for Long QT syndrome. Last evaluated: 2024-08-13. Review status: criteria provided, single submitter. Criteria: Invitae Variant Classification Sherloc (09022015). Collection method: clinical testing. Allele origin: germline.
Comment: This sequence change replaces valine, which is neutral and non-polar, with phenylalanine, which is neutral and non-polar, at codon 1593 of the ANK2 protein (p.Val1593Phe). This variant is present in population databases (rs771802296, gnomAD 0.04%). This missense change has been observed in individual(s) with sudden arrhythmogenic death syndrome (PMID: 27005929, 30564305). ClinVar contains an entry for this variant (Variation ID: 1472860). Advanced modeling of protein sequence and biophysical properties (such as structural, functional, and spatial information, amino acid conservation, physicochemical variation, residue mobility, and thermodynamic stability) performed at Invitae indicates that this missense variant is not expected to disrupt ANK2 protein function with a negative predictive value of 80%. In summary, the available evidence is currently insufficient to determine the role of this variant in disease. Therefore, it has been classified as a Variant of Uncertain Significance.

Blueprint Genetics
Classification: Likely benign. Last evaluated: 2023-06-08. Review status: criteria provided, single submitter. Criteria: ACMG Guidelines, 2015. Collection method: clinical testing. Allele origin: germline.

CeGaT Center for Human Genetics Tuebingen
Classification: Likely benign. Last evaluated: 2022-03-01. Review status: criteria provided, single submitter. Criteria: CeGaT Center For Human Genetics Tuebingen Variant Classification Criteria Version 2. Collection method: clinical testing. Allele origin: germline. Affected: yes. Observed: 1 variant allele.
Comment: ANK2: BP4, BS2

Ambry Genetics
Classification: Likely benign for Cardiovascular phenotype. Last evaluated: 2019-03-08. Review status: criteria provided, single submitter. Criteria: Ambry Variant Classification Scheme 2023. Collection method: clinical testing. Allele origin: germline.

Literature cited by the submitters: PubMed 27005929 (cited by Labcorp Genetics (formerly Invitae), Labcorp and Ambry Genetics); PubMed 30564305 (cited by Labcorp Genetics (formerly Invitae), Labcorp).

NM_001148.6(ANK2):c.4777G>T (p.Val1593Phe)

Gene: ANK2 (ankyrin 2; plus strand). Cytogenetic location: 4q26.
Variant type: single nucleotide variant.
Coding change: c.4777G>T on transcript NM_001148.6 (MANE Select); coding-DNA position 4777, G replaced by T.
Protein change: p.Val1593Phe; replaces valine 1593 with phenylalanine.
Molecular consequence: missense variant. On other transcripts: intron variant (68).
Genome position (GRCh38, 1-based): chr4:113,353,395, G>T. VCF-style: chr4-113353395-G-T. GRCh37 (hg19) VCF-style: chr4-114274551-G-T.
Other names: c.4543G>T, p.Val1515Phe (NM_001386142.1); c.1177G>T, p.Val393Phe (NM_001386166.1); c.4918G>T, p.Val1640Phe (NM_001386174.1); c.4894G>T, p.Val1632Phe (NM_001386175.1); c.4411+3146G>T (NM_001386186.2, NM_001386148.2); c.4213+3146G>T (NM_001354269.3); c.4291+3146G>T (NM_001386187.2); c.4252+3146G>T (NM_001386147.1); and 35 more; short protein forms V1593F, V1640F, V1632F, V393F, V1515F.
Identifiers: ClinVar variation 1472860 (VCV001472860.34), dbSNP rs771802296, ClinGen allele CA3051141.